The following is an entry in ClinVar:

ClinVar aggregate classification (germline): Pathogenic (0 of 4 stars; one submission).

Submission:

Quest Diagnostics Nichols Institute San Juan Capistrano
Classification: Pathogenic. Last evaluated: 2021-01-18. Review status: no assertion criteria provided. Collection method: clinical testing. Allele origin: germline.
Comment: The copy number gain of 8p23.3p23.1 involves several coding genes across multiple chromosomal bands and is expected to cause phenotypic and/or developmental abnormalities. It fully overlaps the region of chromosome 8p23.1 duplication syndrome, which is characterized by mild or moderate developmental delay and/or intellectual disability, a variable degree of mild dysmorphism, congenital heart disease, behavioral problems, cleft lip and/or palate, macrocephaly, seizures, neonatal respiratory distress, attention deficit hyperactivity disorder (ADHD), ocular anomalies, balance problems, hypotonia, and hydrocele (Barber et al. Am J Med Genet A. 2015 Sep;167A(9):2052-64. PMID: 26097203). The critical region proposed for the 8p23.1 duplication syndrome includes SOX7 (OMIM 612202 ), GATA4 (OMIM 600576 ), and TNKS (OMIM 603303 ), all of which are encompassed in this gain interval.

GRCh37/hg19 8p23.3-23.1(chr8:158048-11936107)x3

Genes: AGPAT5 (1-acylglycerol-3-phosphate O-acyltransferase 5; plus strand), ANGPT2 (angiopoietin 2; minus strand), ARHGEF10 (Rho guanine nucleotide exchange factor 10; plus strand), BLK (BLK proto-oncogene, Src family tyrosine kinase), C8orf74 (chromosome 8 open reading frame 74) and 61 more. Cytogenetic location: 8p23.3-23.1.
Variant type: copy number gain.
Change: copy number 3 (three copies instead of two) of chr8:158,048-11,936,107 (11.78 Mb, GRCh37 coordinates, 1-based), cytogenetic band 8p23.3-23.1.
Identifiers: ClinVar variation 1339975 (VCV001339975.1).